The following is an entry in ClinVar:

ClinVar aggregate classification (germline): Pathogenic. Review status: criteria provided, multiple submitters, no conflicts (2 of 4 stars). 7 submissions from 7 submitters: Pathogenic (6). 1 of the submissions does not count toward it. Last evaluated 2025-11-20.

Conditions:
Polycystic kidney disease, adult type (PKD1). Also called: POLYCYSTIC KIDNEY DISEASE, ADULT, TYPE I; Polycystic Kidney, Autosomal Dominant; Polycystic Kidney Disease 1, Autosomal Dominant; Polycystic kidney disease 1; Polycystic kidney disease 1, severe; POLYCYSTIC KIDNEY DISEASE 1 WITH OR WITHOUT POLYCYSTIC LIVER DISEASE. Identifiers: MedGen C3149841, MONDO:0008263, OMIM 173900.
Polycystic kidney disease. Also called: Polycystic kidney dysplasia; Kidney, Polycystic. Identifiers: MedGen C0022680, MeSH D007690, MONDO:0020642, HP:0000113.
PKD1-related disorder. Also called: PKD1-related condition.

Submissions (7):

PreventionGenetics, part of Exact Sciences
Classification: Pathogenic for PKD1-related condition. Last evaluated: 2025-11-20. Review status: criteria provided, single submitter. Criteria: ACMG Guidelines, 2015. Collection method: clinical testing. Allele origin: germline.
Comment: The PKD1 c.7666C>T variant is predicted to result in premature protein termination (p.Gln2556*). This variant has been reported to be causative for autosomal dominant polycystic kidney disease (ADPKD) (Garcia-Gonzalez et al. 2007. PubMed ID: 17574468). This variant has not been reported in a large population database (gnomAD), indicating this variant is rare. Nonsense variants in PKD1 are expected to be pathogenic. This variant is interpreted as pathogenic.

Clinical Genomics Laboratory, Washington University in St. Louis
Classification: Pathogenic for Polycystic kidney disease, adult type. Last evaluated: 2024-07-24. Review status: criteria provided, single submitter. Criteria: ACMG Guidelines, 2015. Collection method: clinical testing. Allele origin: germline. Affected: yes.
Comment: A heterozygous nonsense PKD1 c.7666C>T (p.Gln2556*) variant was identified. This variant has been reported in 10 individuals affected with autosomal dominant polycystic kidney disease and is reported to segregate with disease in 2 families (Iliuta IA et al., PMID: 28522688; Rossetti S et al., PMID: 17582161). This variant has been reported in the ClinVar database as a germline pathogenic variant in the adult type polycystic kidney disease by 3 submitters (ClinVar Variation ID: 618320). This variant is absent from the general population (gnomAD v.2.1.1), indicating it is not a common variant. This variant results in a premature stop codon at position 2556, which is predicted to lead to a truncated or absent protein and loss of function. In vitro and in vivo functional studies show that loss of PKD1 function leads to increased extracellular vesicle secretion by augmenting the ceramides biogenesis and extracellular ATP/P2X7 signaling pathway which results in cyst development (Carotti V et al., PMID: 36299464). Loss of PKD1 function is an established mechanism of disease and missense variants have been reported in numerous individuals with autosomal dominant polycystic kidney disease (Kataoka H et al., PMID: 31948117; Schönauer R et al., PMID: 32398770; Xu D et al., PMID: 29529603; Chang AR et al., PMID: 36573973). Based on available information, and based on ACMG/AMP guidelines for variant interpretation (Richards S et al., PMID: 25741868), this variant is classified as pathogenic.

Fulgent Genetics
Classification: Pathogenic for Polycystic kidney disease, adult type. Last evaluated: 2023-12-30. Review status: criteria provided, single submitter. Criteria: ACMG Guidelines, 2015. Collection method: clinical testing. Allele origin: germline.

GeneDx
Classification: Pathogenic. Last evaluated: 2022-11-23. Review status: criteria provided, single submitter. Criteria: GeneDx Variant Classification Process June 2021. Collection method: clinical testing. Allele origin: germline. Affected: yes.
Comment: Nonsense variant predicted to result in protein truncation or nonsense mediated decay in a gene for which loss-of-function is a known mechanism of disease; Not observed at significant frequency in large population cohorts (gnomAD); This variant is associated with the following publications: (PMID: 30215095, 16565258, 17574468, 17582161, 26453610, 28522688)

Blueprint Genetics
Classification: Pathogenic for PKD1-related disorders. Last evaluated: 2021-06-20. Review status: criteria provided, single submitter. Criteria: ACMG Guidelines, 2015. Collection method: clinical testing. Allele origin: germline. Affected: yes. Observed: 1 variant allele.

ARUP Laboratories, Molecular Genetics and Genomics, ARUP Laboratories
Classification: Pathogenic for Polycystic kidney disease, adult type. Last evaluated: 2020-03-04. Review status: criteria provided, single submitter. Criteria: ARUP Molecular Germline Variant Investigation Process. Collection method: clinical testing. Allele origin: germline.
Comment: The PKD1 c.7666C>T; p.Gln2556Ter variant is reported in the literature in at least one patient with autosomal dominant polycystic kidney disease (ADPKD) (Garcia-Gonzalez 2007). The variant is absent from the general population databases (1000 Genomes Project, Exome Variant Server, Genome Aggregation Database). The p.Gln2556Ter variant induces a premature termination codon. An in vitro study showed that it resulted in a truncated protein in human cell lines derived from cyst of patients with ADPKD (Nauli 2006). Based on the above information, this variant is considered pathogenic. References: Garcia-Gonzalez et al. Evaluating the clinical utility of a molecular genetic test for polycystic kidney disease. Mol Genet Metab. 2007 Sep-Oct;92(1-2):160-7. Nauli et al. Loss of polycystin-1 in human cyst-lining epithelia leads to ciliary dysfunction. J Am Soc Nephrol. 2006 Apr;17(4):1015-25.

Department of Pathology and Laboratory Medicine, Sinai Health System
Classification: Pathogenic for Polycystic Kidney disease. Review status: no assertion criteria provided. Collection method: clinical testing. Allele origin: unknown. Affected: yes. Observed: 2 variant alleles. Study: The Canadian Open Genetics Repository (COGR). Not counted in ClinVar's aggregate classification.
Comment: The PKD1 p.Gln2556X variant was identified in 6 of 1008 proband chromosomes (frequency: 0.006) from individuals or families with ADPKD and was not identified in 342 control chromosomes from healthy individuals (Garcia-Gonzalez 2007, Hwang 2016, Rossetti 2007). This variant was also identified in ADPKD Mutation Database (as definitely pathogenic). This variant was not identified in the following databases: dbSNP, the 1000 Genomes Project, the NHLBI Exome Sequencing Project, the Exome Aggregation Consortium, the Genome Aggregation database, COGR, ClinVar, Clinvitae, PKD1-LOVD, and PKD1-LOVD 3.0. In functional studies a cell line was derived from a cyst containing a germline p.Gln2556X variant that was determined to be causative of cyst formation (Nauli 2006). The p.Gln2556X variant leads to a premature stop codon at position 2556, which is predicted to lead to a truncated or absent protein and loss of function. Loss of function variants of the PKD1 gene are an established mechanism of disease in autosomal dominant polycystic kidney disease and is the type of variant expected to cause the disorder. In summary, based on the above information, this variant meets our laboratoryâ€šÃ„Ã´s criteria to be classified as pathogenic.

NM_001009944.3(PKD1):c.7666C>T (p.Gln2556Ter)

Gene: PKD1 (polycystin 1, transient receptor potential channel interacting; minus strand). Cytogenetic location: 16p13.3.
Variant type: single nucleotide variant.
Coding change: c.7666C>T on transcript NM_001009944.3 (MANE Select); coding-DNA position 7666, C replaced by T.
Protein change: p.Gln2556Ter; replaces glutamine 2556 with a stop codon.
Molecular consequence: nonsense.
Genome position (GRCh38, 1-based): chr16:2,106,128, G>A on the plus strand (C>T on the coding strand, the complement: PKD1 is on the minus strand). VCF-style: chr16-2106128-G-A. GRCh37 (hg19) VCF-style: chr16-2156129-G-A.
Other names: c.7666C>T, p.Gln2556Ter (NM_000296.4); short protein forms Q2556*.
Identifiers: ClinVar variation 618320 (VCV000618320.17), dbSNP rs1567184366, ClinGen allele CA394368317.
Genomic context (GRCh38, chr16:2,106,128, plus strand): 5'-CGCCCTCCCACGGCCTGGCTCACCTGTTGAGGGCGACCACAGCGGCTCCCAGCTGGTCCT[G>A]CACCACCACGGCCAGGCCCACCTCGAAGTGTGGCCTGAAACCCGGGGGCAGCACGGCTCC-3'